The following is an entry in ClinVar:

NM_015272.5(RPGRIP1L):c.803T>A (p.Met268Lys)

Gene: RPGRIP1L (RPGRIP1 like; minus strand). Cytogenetic location: 16q12.2.
Variant type: single nucleotide variant.
Coding change: c.803T>A on transcript NM_015272.5 (MANE Select); coding-DNA position 803, T replaced by A.
Protein change: p.Met268Lys; replaces methionine 268 with lysine.
Molecular consequence: missense variant.
Genome position (GRCh38, 1-based): chr16:53,675,096, A>T on the plus strand (T>A on the coding strand, the complement: RPGRIP1L is on the minus strand). VCF-style: chr16-53675096-A-T. GRCh37 (hg19) VCF-style: chr16-53709008-A-T.
Other names: c.803T>A (NM_015272.4); c.803T>A, p.Met268Lys (NM_001127897.4, NM_001308334.3, NM_001330538.2); short protein forms M268K.
Identifiers: ClinVar variation 1943484 (VCV001943484.4), dbSNP rs779001013, ClinGen allele CA8058009.

ClinVar aggregate classification (germline): Uncertain significance. Review status: criteria provided, single submitter (1 of 4 stars). 2 submissions from 2 submitters: Uncertain significance (1). 1 of the submissions does not count toward it. Last evaluated 2022-05-19.

Conditions:
RPGRIP1L-related disorder. Also called: RPGRIP1L-related condition; RPGRIP1L-related disorders. Identifiers: MedGen CN239416.
Joubert syndrome. Also called: JOUBERT-BOLTSHAUSER SYNDROME; Familial aplasia of the vermis. Identifiers: Orphanet 475, MedGen C5979921, MONDO:0018772.
Meckel-Gruber syndrome. Also called: Dysencephalia splachnocystica; DYSENCEPHALIA SPLANCHNOCYSTICA; GRUBER SYNDROME. Identifiers: Orphanet 564, MedGen C0265215, MONDO:0018921.

Allele frequency attached by ClinVar (database versions not stated): gnomAD exomes below 0.00001; ExAC 0.00001.
gnomAD v4.1: 1 of 1,611,402 alleles (0.000062%); highest among the groups gnomAD compares: Admixed American, 0.0017%; no homozygotes.

Submissions (2):

Labcorp Genetics (formerly Invitae), Labcorp
Classification: Uncertain significance for Joubert syndrome; Meckel-Gruber syndrome. Last evaluated: 2022-05-19. Review status: criteria provided, single submitter. Criteria: Invitae Variant Classification Sherloc (09022015). Collection method: clinical testing. Allele origin: germline.
Comment: This sequence change replaces methionine, which is neutral and non-polar, with lysine, which is basic and polar, at codon 268 of the RPGRIP1L protein (p.Met268Lys). The frequency data for this variant in the population databases is considered unreliable, as metrics indicate poor data quality at this position in the gnomAD database. This variant has not been reported in the literature in individuals affected with RPGRIP1L-related conditions. Algorithms developed to predict the effect of missense changes on protein structure and function (SIFT, PolyPhen-2, Align-GVGD) all suggest that this variant is likely to be tolerated. In summary, the available evidence is currently insufficient to determine the role of this variant in disease. Therefore, it has been classified as a Variant of Uncertain Significance.

PreventionGenetics, part of Exact Sciences
Classification: Uncertain significance for RPGRIP1L-related condition. Last evaluated: 2023-12-11. Review status: no assertion criteria provided. Collection method: clinical testing. Allele origin: germline. Not counted in ClinVar's aggregate classification.
Comment: The RPGRIP1L c.803T>A variant is predicted to result in the amino acid substitution p.Met268Lys. To our knowledge, this variant has not been reported in the literature. This variant is reported in 0.0029% of alleles in individuals of Latino descent in gnomAD. At this time, the clinical significance of this variant is uncertain due to the absence of conclusive functional and genetic evidence.